The following is an entry in ClinVar:

NC_000010.10:g.(?_101551971)_(101560340_?)del

Gene: ABCC2 (ATP binding cassette subfamily C member 2; plus strand). Cytogenetic location: 10q24.2.
Variant type: Deletion.
Identifiers: ClinVar variation 3244944 (VCV003244944.1).

ClinVar aggregate classification (germline): Pathogenic (1 of 4 stars; one submission).

Submission:

Labcorp Genetics (formerly Invitae), Labcorp
Classification: Pathogenic. Last evaluated: 2023-03-26. Review status: criteria provided, single submitter. Criteria: Invitae Variant Classification Sherloc (09022015). Collection method: clinical testing. Allele origin: unknown.
Comment: For these reasons, this variant has been classified as Pathogenic. This variant disrupts a region of the ABCC2 protein in which other variant(s) (p.Arg393Trp) have been determined to be pathogenic (PMID: 15870973, 16549534, 29499989, 30366773). This suggests that this is a clinically significant region of the protein, and that variants that disrupt it are likely to be disease-causing. This variant has not been reported in the literature in individuals affected with ABCC2-related conditions. This variant is a gross deletion of the genomic region encompassing exon(s) 3-9 of the ABCC2 gene. This variant would be expected to be in-frame, preserving the integrity of the reading frame.

Literature cited by the submitters: PubMed 15870973; PubMed 16549534; PubMed 29499989; PubMed 30366773.